The following is an entry in ClinVar:

ClinVar aggregate classification (germline): Likely benign (1 of 4 stars; one submission).

gnomAD v4.1: 1 of 1,611,384 alleles (0.000062%); highest among the groups gnomAD compares: Non-Finnish European, 0.000085%; no homozygotes.

Submission:

CeGaT Center for Human Genetics Tuebingen
Classification: Likely benign. Last evaluated: 2024-01-01. Review status: criteria provided, single submitter. Criteria: CeGaT Center For Human Genetics Tuebingen Variant Classification Criteria Version 2. Collection method: clinical testing. Allele origin: germline. Affected: yes. Observed: 1 variant allele.
Comment: SLC24A1: PM2:Supporting, BP4, BP7

NM_004727.3(SLC24A1):c.2625G>A (p.Glu875=)

Gene: SLC24A1 (solute carrier family 24 member 1; plus strand). Cytogenetic location: 15q22.31.
Variant type: single nucleotide variant.
Coding change: c.2625G>A on transcript NM_004727.3 (MANE Select); coding-DNA position 2625, G replaced by A.
Protein change: p.Glu875=; no amino-acid change (glutamic acid 875 retained).
Molecular consequence: synonymous variant.
Genome position (GRCh38, 1-based): chr15:65,650,774, G>A. VCF-style: chr15-65650774-G-A. GRCh37 (hg19) VCF-style: chr15-65943112-G-A.
Other names: c.606G>A, p.Glu202= (NM_001254740.2); c.2625G>A, p.Glu875= (NM_001301031.1); c.2571G>A, p.Glu857= (NM_001301032.1, NM_001301033.2); c.2283G>A, p.Glu761= (NM_001411142.1).
Identifiers: ClinVar variation 3025666 (VCV003025666.22), dbSNP rs1246635459, ClinGen allele CA490905295.
Genomic context (GRCh38, chr15:65,650,774, plus strand): 5'-TGGAGGGGATAGCGAAGAGGAGGAAGAGGAGGAGGAAGAGCAGGAGGAAGAGGAGGAGGA[G>A]GAAGAGCAGGAGGAAGAGGAGGAGGAGGAGGAGGAAGAGGAGGAGAAGGGAAATGAAGAG-3'
Protein context (NP_004718.1, residues 865-885): EEEEQEEEEE[Glu875=]EEQEEEEEEE